The following is an entry in ClinVar:

NM_018136.5(ASPM):c.6119T>A (p.Ile2040Lys)

Gene: ASPM (assembly factor for spindle microtubules; minus strand). Cytogenetic location: 1q31.3.
Variant type: single nucleotide variant.
Coding change: c.6119T>A on transcript NM_018136.5 (MANE Select); coding-DNA position 6119, T replaced by A.
Protein change: p.Ile2040Lys; replaces isoleucine 2040 with lysine.
Molecular consequence: missense variant. On other transcripts: intron variant (1).
Genome position (GRCh38, 1-based): chr1:197,103,132, A>T on the plus strand (T>A on the coding strand, the complement: ASPM is on the minus strand). VCF-style: chr1-197103132-A-T. GRCh37 (hg19) VCF-style: chr1-197072262-A-T.
Other names: c.4066-6968T>A (NM_001206846.2); c.6119T>A (NM_018136.4); short protein forms I2040K.
Identifiers: ClinVar variation 2041300 (VCV002041300.5), dbSNP rs2527298275, ClinGen allele CA344023630.

ClinVar aggregate classification (germline): Uncertain significance. Review status: criteria provided, multiple submitters, no conflicts (2 of 4 stars). 2 submissions from 2 submitters: Uncertain significance (2). Last evaluated 2025-08-21.

Conditions:
Inborn genetic diseases. Identifiers: MedGen C0950123, MeSH D030342.

Submissions (2):

Labcorp Genetics (formerly Invitae), Labcorp
Classification: Uncertain significance. Last evaluated: 2025-08-21. Review status: criteria provided, single submitter. Criteria: Invitae Variant Classification Sherloc (09022015). Collection method: clinical testing. Allele origin: germline.
Comment: This sequence change replaces isoleucine, which is neutral and non-polar, with lysine, which is basic and polar, at codon 2040 of the ASPM protein (p.Ile2040Lys). This variant is not present in population databases (gnomAD no frequency). This variant has not been reported in the literature in individuals affected with ASPM-related conditions. ClinVar contains an entry for this variant (Variation ID: 2041300). Invitae Evidence Modeling of protein sequence and biophysical properties (such as structural, functional, and spatial information, amino acid conservation, physicochemical variation, residue mobility, and thermodynamic stability) indicates that this missense variant is not expected to disrupt ASPM protein function with a negative predictive value of 80%. In summary, the available evidence is currently insufficient to determine the role of this variant in disease. Therefore, it has been classified as a Variant of Uncertain Significance.

Ambry Genetics
Classification: Uncertain significance for Inborn genetic diseases. Last evaluated: 2024-05-20. Review status: criteria provided, single submitter. Criteria: Ambry Variant Classification Scheme 2023. Collection method: clinical testing. Allele origin: germline.